The following is an entry in ClinVar:

NM_001017989.3(OPA3):c.242C>T (p.Ala81Val)

Genes: OPA3 (outer mitochondrial membrane lipid metabolism regulator OPA3; minus strand), OPA3-RTN2 (OPA3-RTN2 readthrough; minus strand). Cytogenetic location: 19q13.32.
Variant type: single nucleotide variant.
Coding change: c.242C>T on transcript NM_001017989.3; coding-DNA position 242, C replaced by T.
Protein change: p.Ala81Val; replaces alanine 81 with valine.
Molecular consequence: missense variant.
Genome position (GRCh38, 1-based): chr19:45,529,357, G>A on the plus strand (C>T on the coding strand, the complement: OPA3 is on the minus strand). VCF-style: chr19-45529357-G-A. GRCh37 (hg19) VCF-style: chr19-46032615-G-A.
Other names: short protein forms A81V.
Identifiers: ClinVar variation 4819504 (VCV004819504.1).

ClinVar aggregate classification (germline): Uncertain significance (1 of 4 stars; one submission).

gnomAD v4.1: 27 of 1,614,056 alleles (0.0017%); highest among the groups gnomAD compares: African/African-American, 0.025%; no homozygotes.

Submission:

GeneDx
Classification: Uncertain significance. Last evaluated: 2025-10-01. Review status: criteria provided, single submitter. Criteria: GeneDx Variant Classification Process June 2021. Collection method: clinical testing. Allele origin: germline. Affected: yes.
Comment: Has not been previously published as pathogenic or benign to our knowledge; In silico analysis supports that this missense variant has a deleterious effect on protein structure/function; Reported using an alternate transcript of the gene